The following is an entry in ClinVar:

NM_002693.3(POLG):c.713_716del (p.Gln238fs)

Genes: POLG (DNA polymerase gamma, catalytic subunit; minus strand), POLGARF (POLG alternative reading frame; minus strand). Cytogenetic location: 15q26.1.
Variant type: Deletion.
Coding change: c.713_716del on transcript NM_002693.3 (MANE Select); coding-DNA positions 713 to 716, 4 bases deleted (AGCT; older notation c.713_716delAGCT).
Protein change: p.Gln238fs; shifts the reading frame from glutamine 238.
Molecular consequence: frameshift variant.
Genome position (GRCh38, 1-based): chr15:89,330,220-89,330,223, AGCT deleted on the plus strand (AGCT on the coding strand, the reverse complement: POLG is on the minus strand). VCF-style (leftmost placement, unchanged base first): chr15-89330219-CAGCT-C. GRCh37 (hg19) VCF-style: chr15-89873450-CAGCT-C.
Other names: c.768_771del, p.Ala257fs (NM_001430120.1); c.713_716del, p.Gln238fs (NM_001126131.2); short protein forms A257fs, Q238fs.
Identifiers: ClinVar variation 5016090 (VCV005016090.1).

ClinVar aggregate classification (germline): Pathogenic (1 of 4 stars; one submission).

Conditions:
POLG-related disorder. Also called: POLG-Related Spectrum Disorders; POLG-related condition; POLG-Related Disorders. Identifiers: MedGen C4763519.

Submission:

Myriad Genetics, Inc.
Classification: Pathogenic for POLG-related disorder. Last evaluated: 2026-06-29. Review status: criteria provided, single submitter. Criteria: Myriad Autosomal Dominant, Autosomal Recessive and X-Linked Classification Criteria (2023). Collection method: clinical testing. Allele origin: unknown.
Comment: NM_002693.2(POLG):c.713_716delAGCT(Q238Rfs*27) is expected to be pathogenic in the context of POLG-related disorders. This variant is predicted to lead to an abnormal or absent protein product due to the creation of a premature termination codon in POLG, a gene where loss-of-function variants are known to be pathogenic. Please note: this variant was assessed in the context of healthy population screening.